The following is an entry in ClinVar:

ClinVar aggregate classification (germline): Uncertain significance (1 of 4 stars; one submission).

Submission:

GeneDx
Classification: Uncertain significance. Last evaluated: 2023-09-08. Review status: criteria provided, single submitter. Criteria: GeneDx Variant Classification Process June 2021. Collection method: clinical testing. Allele origin: germline. Affected: yes.
Comment: Not observed at significant frequency in large population cohorts (gnomAD); In silico analysis supports a deleterious effect on splicing; Has not been previously published as pathogenic or benign to our knowledge

NM_014191.4(SCN8A):c.615G>T (p.Ala205=)

Gene: SCN8A (sodium voltage-gated channel alpha subunit 8; plus strand). Cytogenetic location: 12q13.13.
Variant type: single nucleotide variant.
Coding change: c.615G>T on transcript NM_014191.4 (MANE Plus Clinical); coding-DNA position 615, G replaced by T.
Protein change: p.Ala205=; no amino-acid change (alanine 205 retained).
Molecular consequence: synonymous variant. On other transcripts: intron variant (2).
Genome position (GRCh38, 1-based): chr12:51,688,758, G>T. VCF-style: chr12-51688758-G-T. GRCh37 (hg19) VCF-style: chr12-52082542-G-T.
Other names: c.615G>T, p.Ala205= (NM_001177984.3); c.615-247G>T (NM_001330260.2, NM_001369788.1).
Identifiers: ClinVar variation 3340898 (VCV003340898.1).
Genomic context (GRCh38, chr12:51,688,758, plus strand): 5'-CCATTCTCAAACCCTCGCCCAGTGGTACCATTACAAGTTAACTTTGGTTTGATTCTGCAG[G>T]TATATAACAGAGTTTGTAAACCTAGGCAATGTTTCAGCTCTACGCACTTTCAGGGTACTG-3'
Protein context (NP_055006.1, residues 195-215): NWLDFSVIMM[Ala205=]YITEFVNLGN